The following is an entry in ClinVar:

ClinVar aggregate classification (germline): Pathogenic/Likely pathogenic. Review status: criteria provided, multiple submitters, no conflicts (2 of 4 stars). 2 submissions from 2 submitters: Pathogenic (1); Likely pathogenic (1). Last evaluated 2024-02-06.

Conditions:
Juvenile polyposis syndrome (JPS). Identifiers: Orphanet 2929, MedGen C0345893, MONDO:0017380, OMIM 174900.
Juvenile polyposis/hereditary hemorrhagic telangiectasia syndrome (JPHT). Also called: Juvenile Polyposis Syndrome / Hereditary Hemorrhagic Telangiectasia (JPS/HHT); JP/HHT SYNDROME; JUVENILE POLYPOSIS WITH HEREDITARY HEMORRHAGIC TELANGIECTASIA; POLYPOSIS, GENERALIZED JUVENILE, WITH PULMONARY ARTERIOVENOUS MALFORMATION; TELANGIECTASIA, HEREDITARY HEMORRHAGIC, WITH JUVENILE POLYPOSIS COLI. Identifiers: Orphanet 2929, MedGen C1832942, MONDO:0008278, OMIM 175050.

Submissions (2):

Labcorp Genetics (formerly Invitae), Labcorp
Classification: Pathogenic for Juvenile polyposis syndrome. Last evaluated: 2024-02-06. Review status: criteria provided, single submitter. Criteria: Invitae Variant Classification Sherloc (09022015). Collection method: clinical testing. Allele origin: germline.
Comment: This sequence change creates a premature translational stop signal (p.Pro470Leufs*6) in the SMAD4 gene. While this is not anticipated to result in nonsense mediated decay, it is expected to disrupt the last 83 amino acid(s) of the SMAD4 protein. This variant is not present in population databases (gnomAD no frequency). This variant has not been reported in the literature in individuals affected with SMAD4-related conditions. ClinVar contains an entry for this variant (Variation ID: 529954). This variant disrupts a region of the SMAD4 protein in which other variant(s) (p.His530Thrfs*47) have been determined to be pathogenic (PMID: 18178612; Invitae). This suggests that this is a clinically significant region of the protein, and that variants that disrupt it are likely to be disease-causing. For these reasons, this variant has been classified as Pathogenic.

Baylor Genetics
Classification: Likely pathogenic for Juvenile polyposis/hereditary hemorrhagic telangiectasia syndrome. Last evaluated: 2024-02-05. Review status: criteria provided, single submitter. Criteria: ACMG Guidelines, 2015. Collection method: clinical testing. Allele origin: unknown.

Literature cited by the submitters: PubMed 18178612 (cited by Labcorp Genetics (formerly Invitae), Labcorp).

NM_005359.6(SMAD4):c.1409del (p.Pro470fs)

Gene: SMAD4 (SMAD family member 4; plus strand). Cytogenetic location: 18q21.2.
Variant type: Deletion.
Coding change: c.1409del on transcript NM_005359.6 (MANE Select); coding-DNA position 1409, one base deleted (C; older notation c.1409delC).
Protein change: p.Pro470fs; shifts the reading frame from proline 470.
Molecular consequence: frameshift variant.
Genome position (GRCh38, 1-based): chr18:51,076,738, C deleted; the last of 3 consecutive C bases (chr18:51,076,736-51,076,738); deleting any one gives the same sequence. VCF-style (leftmost placement, unchanged base first): chr18-51076735-TC-T. GRCh37 (hg19) VCF-style: chr18-48603105-TC-T.
Other names: c.1409delC (NM_005359.5); short protein forms P470fs.
Identifiers: ClinVar variation 529954 (VCV000529954.11), dbSNP rs1555687387, ClinGen allele CA658799053.